The following is an entry in ClinVar:

NM_001267550.2(TTN):c.48760+1G>A

Genes: TTN (titin; minus strand), TTN-AS1 (TTN antisense RNA 1; plus strand), LOC126806426 (BRD4-independent group 4 enhancer GRCh37_chr2:179478848-179480047; plus strand). Cytogenetic location: 2q31.2.
Variant type: single nucleotide variant.
Coding change: c.48760+1G>A on transcript NM_001267550.2 (MANE Select); the canonical splice donor site of the intron after coding-DNA position 48760, G replaced by A.
Molecular consequence: splice donor variant.
Genome position (GRCh38, 1-based): chr2:178,614,846, C>T on the plus strand (G>A on the coding strand, the complement: TTN is on the minus strand). VCF-style: chr2-178614846-C-T. GRCh37 (hg19) VCF-style: chr2-179479573-C-T.
Other names: c.21565+1G>A (NM_003319.4); c.22141+1G>A (NM_133437.4); c.21940+1G>A (NM_133432.3); c.41056+1G>A (NM_133378.4); c.43837+1G>A (NM_001256850.1).
Identifiers: ClinVar variation 2124930 (VCV002124930.4), dbSNP rs1474000709, ClinGen allele CA349608130.

ClinVar aggregate classification (germline): Likely pathogenic (1 of 4 stars; one submission).

Conditions:
Dilated cardiomyopathy 1G (CMD1G). Identifiers: Orphanet 154, MedGen C1858763, MONDO:0011400, OMIM 604145.
Autosomal recessive limb-girdle muscular dystrophy type 2J (LGMDR10). Also called: Limb-girdle muscular dystrophy, type 2J; MUSCULAR DYSTROPHY, LIMB-GIRDLE, AUTOSOMAL RECESSIVE 10. Identifiers: Orphanet 140922, MedGen C1837342, MONDO:0012127, OMIM 608807.

Submission:

Labcorp Genetics (formerly Invitae), Labcorp
Classification: Likely pathogenic for Dilated cardiomyopathy 1G; Autosomal recessive limb-girdle muscular dystrophy type 2J. Last evaluated: 2022-09-23. Review status: criteria provided, single submitter. Criteria: Invitae Variant Classification Sherloc (09022015). Collection method: clinical testing. Allele origin: germline.
Comment: In summary, the currently available evidence indicates that the variant is pathogenic, but additional data are needed to prove that conclusively. Therefore, this variant has been classified as Likely Pathogenic. This variant is located in the A band of TTN (PMID: 25589632). Truncating variants in this region are significantly overrepresented in patients affected with dilated cardiomyopathy (PMID: 25589632). Truncating variants in this region have also been reported in individuals affected with autosomal recessive centronuclear myopathy (PMID: 23975875). Algorithms developed to predict the effect of sequence changes on RNA splicing suggest that this variant may disrupt the consensus splice site. Disruption of this splice site has been observed in individual(s) with dilated cardiomyopathy (Invitae). This variant is not present in population databases (gnomAD no frequency). This sequence change affects a donor splice site in intron 260 of the TTN gene. It is expected to disrupt RNA splicing and likely results in a truncated or disrupted TTN protein.

Literature cited by the submitters: PubMed 25589632; PubMed 23975875.